The following is an entry in ClinVar:

ClinVar aggregate classification (germline): Uncertain significance (1 of 4 stars; one submission).

Submission:

Greenwood Genetic Center Diagnostic Laboratories, Greenwood Genetic Center
Classification: Uncertain significance. Last evaluated: 2023-08-02. Review status: criteria provided, single submitter. Criteria: ACMG Guidelines, 2015. Collection method: clinical testing. Allele origin: germline. Affected: yes.
Comment: Gene of Uncertain Significance

NM_001372078.1(REV3L):c.8080_8081del (p.Leu2694fs)

Gene: REV3L (REV3 like, DNA directed polymerase zeta catalytic subunit; minus strand). Cytogenetic location: 6q21.
Variant type: Deletion.
Coding change: c.8080_8081del on transcript NM_001372078.1 (MANE Select); coding-DNA positions 8080 to 8081, 2 bases deleted (TT; older notation c.8080_8081delTT).
Protein change: p.Leu2694fs; shifts the reading frame from leucine 2694.
Molecular consequence: frameshift variant.
Genome position (GRCh38, 1-based): chr6:111,329,692-111,329,693, AA deleted on the plus strand (TT on the coding strand, the reverse complement: REV3L is on the minus strand); deleting any 2 consecutive bases within chr6:111,329,692-111,329,695 gives the same sequence; the c. name uses the placement nearest the transcript's 3' end. VCF-style (leftmost placement, unchanged base first): chr6-111329691-CAA-C. GRCh37 (hg19) VCF-style: chr6-111650894-CAA-C.
Other names: c.7846_7847del, p.Leu2616fs (NM_001286431.2, NM_001286432.2); c.8080_8081del, p.Leu2694fs (NM_002912.5); short protein forms L2616fs, L2694fs.
Identifiers: ClinVar variation 2626871 (VCV002626871.1), dbSNP rs2534364268, ClinGen allele CA2582341708.